The following is an entry in ClinVar:

ClinVar aggregate classification (germline): Uncertain significance (1 of 4 stars; one submission).

Conditions:
Hereditary nonpolyposis colorectal neoplasms. Identifiers: MedGen C0009405, MeSH D003123.

Submission:

Labcorp Genetics (formerly Invitae), Labcorp
Classification: Uncertain significance for Hereditary nonpolyposis colorectal neoplasms. Last evaluated: 2021-07-19. Review status: criteria provided, single submitter. Criteria: Invitae Variant Classification Sherloc (09022015). Collection method: clinical testing. Allele origin: germline.
Comment: This variant, c.507_508delinsTA, is a complex sequence change that results in the deletion of 2 and insertion of 2 amino acid(s) in the MSH6 protein (p.Lys169_Pro170delinsAsnThr). In summary, the available evidence is currently insufficient to determine the role of this variant in disease. Therefore, it has been classified as a Variant of Uncertain Significance. Experimental studies and prediction algorithms are not available or were not evaluated, and the functional significance of this variant is currently unknown. This variant has not been reported in the literature in individuals affected with MSH6-related conditions. The frequency data for this variant in the population databases is not available, as this variant may be reported as separate entries in the ExAC database.

NM_000179.3(MSH6):c.507_508delinsTA (p.Lys169_Pro170delinsAsnThr)

Gene: MSH6 (mutS homolog 6; plus strand). Cytogenetic location: 2p16.3.
Variant type: Indel.
Coding change: c.507_508delinsTA on transcript NM_000179.3 (MANE Select); coding-DNA positions 507 to 508, GC replaced by TA.
Protein change: p.Lys169_Pro170delinsAsnThr.
Molecular consequence: missense variant. On other transcripts: 5 prime UTR variant (1), intron variant (2).
Genome position (GRCh38, 1-based): chr2:47,795,943-47,795,944, GC replaced by TA. VCF-style: chr2-47795943-GC-TA. GRCh37 (hg19) VCF-style: chr2-48023082-GC-TA.
Other names: c.-396_-395delinsTA (NM_001281494.2); c.-279-2668_-279-2667delinsTA (NM_001281493.2); c.238-2668_238-2667delinsTA (NM_001281492.2).
Identifiers: ClinVar variation 1380655 (VCV001380655.6), dbSNP rs2104231712, ClinGen allele CA2573134897.